The following is an entry in ClinVar:

NM_001130009.3(GEN1):c.516G>C (p.Met172Ile)

Gene: GEN1 (GEN1 Holliday junction 5' flap endonuclease; plus strand). Cytogenetic location: 2p24.2.
Variant type: single nucleotide variant.
Coding change: c.516G>C on transcript NM_001130009.3 (MANE Select); coding-DNA position 516, G replaced by C.
Protein change: p.Met172Ile; replaces methionine 172 with isoleucine.
Molecular consequence: missense variant.
Genome position (GRCh38, 1-based): chr2:17,765,064, G>C. VCF-style: chr2-17765064-G-C. GRCh37 (hg19) VCF-style: chr2-17946331-G-C.
Other names: c.516G>C, p.Met172Ile (NM_182625.5); short protein forms M172I.
Identifiers: ClinVar variation 4263037 (VCV004263037.1).

ClinVar aggregate classification (germline): Uncertain significance (1 of 4 stars; one submission).

Submission:

Ambry Genetics
Classification: Uncertain significance. Last evaluated: 2025-07-17. Review status: criteria provided, single submitter. Criteria: Ambry Variant Classification Scheme 2023. Collection method: clinical testing. Allele origin: germline.
Comment: The p.M172I variant (also known as c.516G>C), located in coding exon 3 of the GEN1 gene, results from a G to C substitution at nucleotide position 516. The methionine at codon 172 is replaced by isoleucine, an amino acid with highly similar properties. This amino acid position is conserved. In addition, this alteration is predicted to be tolerated by in silico analysis. Based on the available evidence, the clinical significance of this variant remains unclear.